The following is an entry in ClinVar:

NM_025145.7(CFAP43):c.2727G>A (p.Pro909=)

Gene: CFAP43 (cilia and flagella associated protein 43; minus strand). Cytogenetic location: 10q25.1.
Variant type: single nucleotide variant.
Coding change: c.2727G>A on transcript NM_025145.7 (MANE Select); coding-DNA position 2727, G replaced by A.
Protein change: p.Pro909=; no amino-acid change (proline 909 retained).
Molecular consequence: synonymous variant.
Genome position (GRCh38, 1-based): chr10:104,167,702, C>T on the plus strand (G>A on the coding strand, the complement: CFAP43 is on the minus strand). VCF-style: chr10-104167702-C-T. GRCh37 (hg19) VCF-style: chr10-105927460-C-T.
Identifiers: ClinVar variation 3059983 (VCV003059983.2), dbSNP rs17750886, ClinGen allele CA5680510.
Genomic context (GRCh38, chr10:104,167,702, plus strand): 5'-CTTCTTTTGCTGTAAAACTCTTTCCAATTCTTTCAGCTCTTCAACCGTGCGCGCTTTCAT[C>T]GGGAAGTTTTCAACCACACAGGGGATATGAAAACACTTGGGGAAAAAAACGCAAGACAAA-3'
Protein context (NP_079421.5, residues 899-919): FHIPCVVENF[Pro909=]MKARTVEELK

ClinVar aggregate classification (germline): Benign (0 of 4 stars; one submission).

Conditions:
CFAP43-related disorder. Also called: CFAP43-related condition.

Allele frequency attached by ClinVar (database versions not stated): 1000 Genomes Project 30x 0.06980; 1000 Genomes Project 0.07009; TOPMed 0.09150; gnomAD 0.09862; ESP Exome Variant Server 0.10172; ExAC 0.10484; gnomAD exomes 0.12069.
gnomAD v4.1: 190,093 of 1,609,170 alleles (12%); highest among the groups gnomAD compares: Non-Finnish European, 13%; 12,465 homozygotes.

Submission:

PreventionGenetics, part of Exact Sciences
Classification: Benign for CFAP43-related condition. Last evaluated: 2019-05-08. Review status: no assertion criteria provided. Collection method: clinical testing. Allele origin: germline.
Comment: This variant is classified as benign based on ACMG/AMP sequence variant interpretation guidelines (Richards et al. 2015 PMID: 25741868, with internal and published modifications).